The following is an entry in ClinVar:

NM_031407.7(HUWE1):c.7305GGA[4] (p.Glu2440del)

Genes: HUWE1 (HECT, UBA and WWE domain containing E3 ubiquitin protein ligase 1; minus strand), LOC126863262 (MED14-independent group 3 enhancer GRCh37_chrX:53588722-53589921; plus strand). Cytogenetic location: Xp11.22.
Variant type: Microsatellite.
Coding change: c.7305GGA[4] on transcript NM_031407.7 (MANE Select); four copies in a row of the 3-base unit GGA starting at c.7305; the reference has five copies in a row; one copy, 3 bases deleted.
Protein change: p.Glu2440del; deletes glutamic acid 2440.
Molecular consequence: inframe deletion.
Genome position (GRCh38, 1-based): chrX:53,562,130-53,562,132, TCC deleted on the plus strand (GGA on the coding strand, the reverse complement: HUWE1 is on the minus strand); deleting any 3 consecutive bases within chrX:53,562,130-53,562,146 gives the same sequence; the position shown is the placement nearest the transcript's 3' end. VCF-style (leftmost placement, unchanged base first): chrX-53562129-TTCC-T. GRCh37 (hg19) VCF-style: chrX-53589090-TTCC-T.
Other names: short protein forms E2440del.
Identifiers: ClinVar variation 710788 (VCV000710788.30), dbSNP rs781877059, ClinGen allele CA10421973.
Genomic context (GRCh38, chrX:53,562,129, plus strand): 5'-GAAGAGGTCATCTGAACCAACCCAAACGCAGTCCCCCCTCACCTGATCATCTTCCTCATC[TTCC>T]TCCTCCTCCTCCTCTTCATCCTGACTATCATCCTCATCCTCGTTACTGCCACTGCTGTCC-3'

ClinVar aggregate classification (germline): Benign/Likely benign. Review status: criteria provided, multiple submitters, no conflicts (2 of 4 stars). 3 submissions from 3 submitters: Benign (1); Likely benign (1). 1 of the submissions does not count toward it. Last evaluated 2026-01-28.

Conditions:
HUWE1-related disorder. Also called: HUWE1-related condition.

Submissions (3):

Labcorp Genetics (formerly Invitae), Labcorp
Classification: Benign. Last evaluated: 2026-01-28. Review status: criteria provided, single submitter. Criteria: Invitae Variant Classification Sherloc (09022015). Collection method: clinical testing. Allele origin: germline.

CeGaT Center for Human Genetics Tuebingen
Classification: Likely benign. Last evaluated: 2024-04-01. Review status: criteria provided, single submitter. Criteria: CeGaT Center For Human Genetics Tuebingen Variant Classification Criteria Version 2. Collection method: clinical testing. Allele origin: germline. Affected: yes. Observed: 1 variant allele.
Comment: HUWE1: BS2

PreventionGenetics, part of Exact Sciences
Classification: Likely benign for HUWE1-related condition. Last evaluated: 2021-03-19. Review status: no assertion criteria provided. Collection method: clinical testing. Allele origin: germline. Not counted in ClinVar's aggregate classification.
Comment: This variant is classified as likely benign based on ACMG/AMP sequence variant interpretation guidelines (Richards et al. 2015 PMID: 25741868, with internal and published modifications).